The following is an entry in ClinVar:

NM_018006.5(TRMU):c.351T>C (p.Asn117=)

Gene: TRMU (tRNA mitochondrial 2-thiouridylase; plus strand). Cytogenetic location: 22q13.31.
Variant type: single nucleotide variant.
Coding change: c.351T>C on transcript NM_018006.5 (MANE Select); coding-DNA position 351, T replaced by C.
Protein change: p.Asn117=; no amino-acid change (asparagine 117 retained).
Molecular consequence: synonymous variant. On other transcripts: non-coding transcript variant (1), intron variant (3).
Genome position (GRCh38, 1-based): chr22:46,343,364, T>C. VCF-style: chr22-46343364-T-C. GRCh37 (hg19) VCF-style: chr22-46739261-T-C.
Other names: c.351T>C, p.Asn117= (NM_001282785.2); c.14-3058T>C (NM_001282782.2); c.-6-3058T>C (NM_001282783.2, NM_001282784.2).
Identifiers: ClinVar variation 593041 (VCV000593041.40), dbSNP rs117710834, ClinGen allele CA10292015.

ClinVar aggregate classification (germline): Conflicting classifications of pathogenicity. Review status: criteria provided, conflicting classifications (1 of 4 stars). 5 submissions from 5 submitters: Uncertain significance (1); Benign (1); Likely benign (2). 1 of the submissions does not count toward it. Last evaluated 2026-02-02.

Conditions:
Acute infantile liver failure due to synthesis defect of mtDNA-encoded proteins. Also called: TRMU Deficiency; LIVER FAILURE, INFANTILE, TRANSIENT; Liver failure acute infantile. Identifiers: Orphanet 217371, MedGen C3278664, MONDO:0013111, OMIM 613070.

Allele frequency attached by ClinVar (database versions not stated): gnomAD 0.00009 and 0.00013; gnomAD exomes 0.00009 and 0.00036; TOPMed 0.00026; ExAC 0.00044; 1000 Genomes Project 30x 0.00125; 1000 Genomes Project 0.00140.
gnomAD v4.1: 157 of 1,612,396 alleles (0.0097%); highest among the groups gnomAD compares: East Asian, 0.29%; 1 homozygote.

Submissions (5):

Labcorp Genetics (formerly Invitae), Labcorp
Classification: Benign. Last evaluated: 2026-02-02. Review status: criteria provided, single submitter. Criteria: Invitae Variant Classification Sherloc (09022015). Collection method: clinical testing. Allele origin: germline.

Blueprint Genetics
Classification: Likely benign. Last evaluated: 2024-04-18. Review status: criteria provided, single submitter. Criteria: ACMG Guidelines, 2015. Collection method: clinical testing. Allele origin: germline.

CeGaT Center for Human Genetics Tuebingen
Classification: Likely benign. Last evaluated: 2024-02-01. Review status: criteria provided, single submitter. Criteria: CeGaT Center For Human Genetics Tuebingen Variant Classification Criteria Version 2. Collection method: clinical testing. Allele origin: germline. Affected: yes. Observed: 1 variant allele.
Comment: TRMU: BP4, BP7

Eurofins Ntd Llc (ga)
Classification: Uncertain significance. Last evaluated: 2017-07-05. Review status: criteria provided, single submitter. Criteria: EGL Classification Definitions 2015. Collection method: clinical testing. Allele origin: germline. Observed: 1 variant allele, 1 heterozygote.

Natera, Inc.
Classification: Likely benign for Acute infantile liver failure due to synthesis defect of mtDNA-encoded proteins. Last evaluated: 2019-11-11. Review status: no assertion criteria provided. Collection method: clinical testing. Allele origin: germline. Not counted in ClinVar's aggregate classification.